The following is an entry in ClinVar:

ClinVar aggregate classification (germline): Uncertain significance (1 of 4 stars; one submission).

Conditions:
Monocytopenia with susceptibility to infections. Also called: IMMUNODEFICIENCY 21; GATA2 DEFICIENCY; Dendritic cell, monocyte, B lymphocyte, and natural killer lymphocyte deficiency; MONOCYTOPENIA AND MYCOBACTERIAL INFECTION SYNDROME; MONOCYTOPENIA WITH SUSCEPTIBILITY TO MYCOBACTERIAL, FUNGAL, AND PAPILLOMAVIRUS INFECTIONS AND MYELODYSPLASIA; COMBINED IMMUNODEFICIENCY WITH SUSCEPTIBILITY TO MYCOBACTERIAL, VIRAL, AND FUNGAL INFECTIONS. Identifiers: Orphanet 228423, MedGen C3280030, MONDO:0013607, OMIM 614172.
Deafness-lymphedema-leukemia syndrome. Also called: Emberger syndrome; Lymphedema, primary, with myelodysplasia. Identifiers: Orphanet 3226, MedGen C3279664, MONDO:0013540, OMIM 614038.

Allele frequency attached by ClinVar (database versions not stated): gnomAD exomes below 0.00001; ExAC 0.00001.
gnomAD v4.1: 1 of 1,614,056 alleles (0.000062%); highest among the groups gnomAD compares: South Asian, 0.0011%; no homozygotes.

Submission:

Labcorp Genetics (formerly Invitae), Labcorp
Classification: Uncertain significance for Monocytopenia with susceptibility to infections; Deafness-lymphedema-leukemia syndrome. Last evaluated: 2021-05-03. Review status: criteria provided, single submitter. Criteria: Invitae Variant Classification Sherloc (09022015). Collection method: clinical testing. Allele origin: germline.
Comment: In summary, the available evidence is currently insufficient to determine the role of this variant in disease. Therefore, it has been classified as a Variant of Uncertain Significance. Advanced modeling of protein sequence and biophysical properties (such as structural, functional, and spatial information, amino acid conservation, physicochemical variation, residue mobility, and thermodynamic stability) performed at Invitae indicates that this missense variant is not expected to disrupt GATA2 protein function. This variant has not been reported in the literature in individuals with GATA2-related conditions. This variant is present in population databases (rs761237564, ExAC 0.006%). This sequence change replaces serine with proline at codon 192 of the GATA2 protein (p.Ser192Pro). The serine residue is weakly conserved and there is a moderate physicochemical difference between serine and proline.

NM_032638.5(GATA2):c.574T>C (p.Ser192Pro)

Gene: GATA2 (GATA binding protein 2; minus strand). Cytogenetic location: 3q21.3.
Variant type: single nucleotide variant.
Coding change: c.574T>C on transcript NM_032638.5 (MANE Select); coding-DNA position 574, T replaced by C.
Protein change: p.Ser192Pro; replaces serine 192 with proline.
Molecular consequence: missense variant.
Genome position (GRCh38, 1-based): chr3:128,486,024, A>G on the plus strand (T>C on the coding strand, the complement: GATA2 is on the minus strand). VCF-style: chr3-128486024-A-G. GRCh37 (hg19) VCF-style: chr3-128204867-A-G.
Other names: c.574T>C, p.Ser192Pro (NM_001145661.2, NM_001145662.1); short protein forms S192P.
Identifiers: ClinVar variation 1392581 (VCV001392581.8), dbSNP rs761237564, ClinGen allele CA2599999.